The following is an entry in ClinVar:

NM_001185.4(AZGP1):c.843C>T (p.His281=)

Gene: AZGP1 (alpha-2-glycoprotein 1, zinc-binding; minus strand). Cytogenetic location: 7q22.1.
Variant type: single nucleotide variant.
Coding change: c.843C>T on transcript NM_001185.4 (MANE Select); coding-DNA position 843, C replaced by T.
Protein change: p.His281=; no amino-acid change (histidine 281 retained).
Molecular consequence: synonymous variant.
Genome position (GRCh38, 1-based): chr7:99,967,057, G>A on the plus strand (C>T on the coding strand, the complement: AZGP1 is on the minus strand). VCF-style: chr7-99967057-G-A. GRCh37 (hg19) VCF-style: chr7-99564680-G-A.
Identifiers: ClinVar variation 2657727 (VCV002657727.24), dbSNP rs373646616, ClinGen allele CA4371379.
Genomic context (GRCh38, chr7:99,967,057, plus strand): 5'-TGCTTCCTAGCTGGCCTCCCAGGGCACCACGAGGGGCTGGGCCAGGCTGCTGTGCTGCAC[G>A]TGGCAGGAGTAGGGGGCTGTGTCCTGCGGGGGCACTGCCACCACCACCCAGGACTGGTAA-3'
Protein context (NP_001176.1, residues 271-291): PPQDTAPYSC[His281=]VQHSSLAQPL

ClinVar aggregate classification (germline): Likely benign (1 of 4 stars; one submission).

Allele frequency attached by ClinVar (database versions not stated): ExAC 0.00001; ESP Exome Variant Server 0.00008.

Submission:

CeGaT Center for Human Genetics Tuebingen
Classification: Likely benign. Last evaluated: 2022-10-01. Review status: criteria provided, single submitter. Criteria: CeGaT Center For Human Genetics Tuebingen Variant Classification Criteria Version 2. Collection method: clinical testing. Allele origin: germline. Affected: yes. Observed: 1 variant allele.
Comment: AZGP1: BP4, BP7